The following is an entry in ClinVar:

ClinVar aggregate classification (germline): Uncertain significance (1 of 4 stars; one submission).

Submission:

Ambry Genetics
Classification: Uncertain significance. Last evaluated: 2024-05-08. Review status: criteria provided, single submitter. Criteria: Ambry Variant Classification Scheme 2023. Collection method: clinical testing. Allele origin: germline.
Comment: The p.A207S variant (also known as c.619G>T), located in coding exon 6 of the KIF1B gene, results from a G to T substitution at nucleotide position 619. The alanine at codon 207 is replaced by serine, an amino acid with similar properties. This amino acid position is conserved. In addition, the in silico prediction for this alteration is inconclusive. Based on the available evidence, the clinical significance of this variant remains unclear.

NM_001365951.3(KIF1B):c.619G>T (p.Ala207Ser)

Gene: KIF1B (kinesin family member 1B; plus strand). Cytogenetic location: 1p36.22.
Variant type: single nucleotide variant.
Coding change: c.619G>T on transcript NM_001365951.3 (MANE Select); coding-DNA position 619, G replaced by T.
Protein change: p.Ala207Ser; replaces alanine 207 with serine.
Molecular consequence: missense variant.
Genome position (GRCh38, 1-based): chr1:10,268,162, G>T. VCF-style: chr1-10268162-G-T. GRCh37 (hg19) VCF-style: chr1-10328220-G-T.
Other names: c.619G>T, p.Ala207Ser (NM_001365952.1, NM_001365953.1, NM_015074.3 and 1 more transcripts); short protein forms A207S.
Identifiers: ClinVar variation 3288441 (VCV003288441.1).